The following is an entry in ClinVar:

NM_001556.3(IKBKB):c.1223A>C (p.Glu408Ala)

Gene: IKBKB (inhibitor of nuclear factor kappa B kinase subunit beta; plus strand). Cytogenetic location: 8p11.21.
Variant type: single nucleotide variant.
Coding change: c.1223A>C on transcript NM_001556.3 (MANE Select); coding-DNA position 1223, A replaced by C.
Protein change: p.Glu408Ala; replaces glutamic acid 408 with alanine.
Molecular consequence: missense variant. On other transcripts: non-coding transcript variant (3).
Genome position (GRCh38, 1-based): chr8:42,317,754, A>C. VCF-style: chr8-42317754-A-C. GRCh37 (hg19) VCF-style: chr8-42175272-A-C.
Other names: c.1031A>C, p.Glu344Ala (NM_001190720.3); c.1046A>C, p.Glu349Ala (NM_001242778.2); short protein forms E344A, E349A, E408A.
Identifiers: ClinVar variation 1699585 (VCV001699585.4), dbSNP rs543940041, ClinGen allele CA4731925.

ClinVar aggregate classification (germline): Uncertain significance. Review status: criteria provided, multiple submitters, no conflicts (2 of 4 stars). 2 submissions from 2 submitters: Uncertain significance (2). Last evaluated 2022-06-12.

Conditions:
Severe combined immunodeficiency due to IKK2 deficiency. Also called: Immunodeficiency 15; IMMUNODEFICIENCY 15B. Identifiers: Orphanet 397787, MedGen C4747743, MONDO:0014267, OMIM 615592.

Allele frequency attached by ClinVar (database versions not stated): gnomAD exomes below 0.00001; ExAC 0.00001; gnomAD 0.00001; 1000 Genomes Project 30x 0.00016; 1000 Genomes Project 0.00020.
gnomAD v4.1: 6 of 1,609,492 alleles (0.00037%); highest among the groups gnomAD compares: South Asian, 0.0066%; no homozygotes.

Submissions (2):

Labcorp Genetics (formerly Invitae), Labcorp
Classification: Uncertain significance for Severe combined immunodeficiency due to IKK2 deficiency. Last evaluated: 2022-06-12. Review status: criteria provided, single submitter. Criteria: Invitae Variant Classification Sherloc (09022015). Collection method: clinical testing. Allele origin: germline.
Comment: This sequence change replaces glutamic acid, which is acidic and polar, with alanine, which is neutral and non-polar, at codon 408 of the IKBKB protein (p.Glu408Ala). This variant is present in population databases (rs543940041, gnomAD 0.003%). This variant has not been reported in the literature in individuals affected with IKBKB-related conditions. Advanced modeling of protein sequence and biophysical properties (such as structural, functional, and spatial information, amino acid conservation, physicochemical variation, residue mobility, and thermodynamic stability) performed at Invitae indicates that this missense variant is not expected to disrupt IKBKB protein function. In summary, the available evidence is currently insufficient to determine the role of this variant in disease. Therefore, it has been classified as a Variant of Uncertain Significance.

GeneDx
Classification: Uncertain significance. Last evaluated: 2022-01-20. Review status: criteria provided, single submitter. Criteria: GeneDx Variant Classification Process June 2021. Collection method: clinical testing. Allele origin: germline. Affected: yes.
Comment: Not observed at significant frequency in large population cohorts (gnomAD); In silico analysis supports that this missense variant does not alter protein structure/function; Has not been previously published as pathogenic or benign to our knowledge